The following is an entry in ClinVar:

NM_031935.3(HMCN1):c.14738C>A (p.Thr4913Asn)

Gene: HMCN1 (hemicentin 1; plus strand). Cytogenetic location: 1q31.1.
Variant type: single nucleotide variant.
Coding change: c.14738C>A on transcript NM_031935.3 (MANE Select); coding-DNA position 14738, C replaced by A.
Protein change: p.Thr4913Asn; replaces threonine 4913 with asparagine.
Molecular consequence: missense variant.
Genome position (GRCh38, 1-based): chr1:186,151,329, C>A. VCF-style: chr1-186151329-C-A. GRCh37 (hg19) VCF-style: chr1-186120461-C-A.
Other names: short protein forms T4913N.
Identifiers: ClinVar variation 875905 (VCV000875905.12), dbSNP rs138232561, ClinGen allele CA1295035.
Genomic context (GRCh38, chr1:186,151,329, plus strand): 5'-TTAATGCCACAATAACTGATAGCCCTAACTCTGATACTAGAATAATACGTGCCAAAATTA[C>A]CAATGTACCTCGTAGTCTTGGTAAGTCTTTGCCTCAAGCCTCTTTTTAAAAACTTATATA-3'
Protein context (NP_114141.2, residues 4903-4923): SDTRIIRAKI[Thr4913Asn]NVPRSLGSAM

ClinVar aggregate classification (germline): Conflicting classifications of pathogenicity. Review status: criteria provided, conflicting classifications (1 of 4 stars). 4 submissions from 4 submitters: Uncertain significance (2); Likely benign (1). 1 of the submissions does not count toward it. Last evaluated 2026-01-27.

Conditions:
Age related macular degeneration 1 (ARMD1). Also called: MACULOPATHY, AGE-RELATED, 1. Identifiers: MedGen C1864205, MONDO:0011285, OMIM 603075.
HMCN1-related disorder. Also called: HMCN1-related condition.

Allele frequency attached by ClinVar (database versions not stated): ESP Exome Variant Server 0.00085; TOPMed 0.00104; 1000 Genomes Project 0.00120; 1000 Genomes Project 30x 0.00125.
gnomAD v4.1: 1,392 of 1,613,562 alleles (0.086%); highest among the groups gnomAD compares: Admixed American, 0.15%; 3 homozygotes.

Submissions (4):

Labcorp Genetics (formerly Invitae), Labcorp
Classification: Likely benign. Last evaluated: 2026-01-27. Review status: criteria provided, single submitter. Criteria: Invitae Variant Classification Sherloc (09022015). Collection method: clinical testing. Allele origin: germline.

Fulgent Genetics
Classification: Uncertain significance for Age related macular degeneration 1. Last evaluated: 2022-04-11. Review status: criteria provided, single submitter. Criteria: ACMG Guidelines, 2015. Collection method: clinical testing. Allele origin: unknown.

Illumina Laboratory Services, Illumina
Classification: Uncertain significance for Age related macular degeneration 1. Last evaluated: 2017-04-27. Review status: criteria provided, single submitter. Criteria: ICSL Variant Classification Criteria 13 December 2019. Collection method: clinical testing. Allele origin: germline.

PreventionGenetics, part of Exact Sciences
Classification: Likely benign for HMCN1-related condition. Last evaluated: 2022-04-15. Review status: no assertion criteria provided. Collection method: clinical testing. Allele origin: germline. Not counted in ClinVar's aggregate classification.
Comment: This variant is classified as likely benign based on ACMG/AMP sequence variant interpretation guidelines (Richards et al. 2015 PMID: 25741868, with internal and published modifications).